The following is an entry in ClinVar:

ClinVar aggregate classification (germline): Pathogenic/Likely pathogenic. Review status: criteria provided, multiple submitters, no conflicts (2 of 4 stars). 4 submissions from 4 submitters: Pathogenic (2); Likely pathogenic (2). Last evaluated 2025-09-03.

Conditions:
Gabriele de Vries syndrome. Identifiers: Orphanet 506358, MedGen C4479652, MONDO:0044738, OMIM 617557.
Intellectual disability. Also called: intellectual disabilities; Intellectual functioning disability; Intellectual developmental disorder. Identifiers: MedGen C3714756, MeSH D008607, MONDO:0001071, HP:0001249.

Submissions (4):

OLLIN Analises Genomicas, OLLIN
Classification: Pathogenic for Gabriele de Vries syndrome. Last evaluated: 2025-09-03. Review status: criteria provided, single submitter. Criteria: ACMG Guidelines 2015 PMID 25741868. Collection method: clinical testing. Allele origin: germline. Affected: yes. Observed: 1 variant allele.
Comment: The frameshift variant (chr14:100262306G>GA), located in exon 2 (of 5), is not reported in the gnomAD v4.1 non-UKB databases and was not found in the scientific literature. However, it is reported in the ClinVar database in individuals with Gabriele-de Vries syndrome (VCV001331550.6). It promotes a reading frame shift with subsequent introduction of a premature stop codon, resulting in a truncated protein or mRNA degradation via nonsense-mediated decay (NMD). According to currently available evidence, this variant has been classified as pathogenic (PVS1, PS4_P, PM2_P).

Laboratoire de Génétique Moléculaire, CHU Bordeaux
Classification: Pathogenic for Gabriele de Vries syndrome. Last evaluated: 2024-04-13. Review status: criteria provided, single submitter. Criteria: ACMG Guidelines, 2015. Collection method: clinical testing. Allele origin: germline. Affected: yes.

Greenwood Genetic Center Diagnostic Laboratories, Greenwood Genetic Center
Classification: Likely pathogenic. Last evaluated: 2020-12-21. Review status: criteria provided, single submitter. Criteria: ACMG Guidelines, 2015. Collection method: clinical testing. Allele origin: germline. Affected: yes.
Comment: PVS1, PM2

Cambridge Genomics Laboratory, East Genomic Laboratory Hub, NHS Genomic Medicine Service
Classification: Likely pathogenic for Intellectual disability. Last evaluated: 2020-01-18. Review status: criteria provided, single submitter. Criteria: ACGS Best Practice Guidelines for Variant Classification in Rare Disease 2020. Collection method: clinical testing. Allele origin: germline. Affected: yes. Observed: 1 variant allele.

NM_003403.5(YY1):c.690dup (p.Asp231fs)

Gene: YY1 (YY1 transcription factor; plus strand). Cytogenetic location: 14q32.2.
Variant type: Duplication.
Coding change: c.690dup on transcript NM_003403.5 (MANE Select); coding-DNA position 690, one base duplicated (A; older notation c.690dupA).
Protein change: p.Asp231fs; shifts the reading frame from aspartic acid 231.
Molecular consequence: frameshift variant.
Genome position (GRCh38, 1-based): chr14:100,262,314, A duplicated; the last of 8 consecutive A bases (chr14:100,262,307-100,262,314); duplicating any one gives the same sequence. VCF-style (leftmost placement, unchanged base first): chr14-100262306-G-GA. GRCh37 (hg19) VCF-style: chr14-100728643-G-GA.
Other names: c.690dupA (NM_003403.5); short protein forms D231fs.
Identifiers: ClinVar variation 1331550 (VCV001331550.7), dbSNP rs759536629, ClinGen allele CA616578930.
Genomic context (GRCh38, chr14:100,262,306, plus strand): 5'-TTTTGTAGTTTTTAAAATCTATTTACTCAGCTAAAGATAATCTCATGATGTGTTTCAGAT[G>GA]AAAAAAAAGATATTGACCATGAGACAGTGGTTGAAGAACAGATCATTGGAGAGAACTCAC-3'